The following is an entry in ClinVar:

NM_007052.5(NOX1):c.1134-1G>C

Gene: NOX1 (NADPH oxidase 1; minus strand). Cytogenetic location: Xq22.1.
Variant type: single nucleotide variant.
Coding change: c.1134-1G>C on transcript NM_007052.5 (MANE Select); the canonical splice acceptor site of the intron before coding-DNA position 1134, G replaced by C.
Molecular consequence: splice acceptor variant.
Genome position (GRCh38, 1-based): chrX:100,849,935, C>G on the plus strand (G>C on the coding strand, the complement: NOX1 is on the minus strand). VCF-style: chrX-100849935-C-G. GRCh37 (hg19) VCF-style: chrX-100104924-C-G.
Other names: c.1023-1G>C (NM_001271815.2); c.1134-1G>C (NM_013955.3).
Identifiers: ClinVar variation 3772678 (VCV003772678.2).

ClinVar aggregate classification (germline): Uncertain significance (0 of 4 stars; one submission).

Conditions:
Neuroferritinopathy (NBIA3). Also called: NEURODEGENERATION WITH BRAIN IRON ACCUMULATION 3; BASAL GANGLIA DISEASE, ADULT-ONSET. Identifiers: Orphanet 157846, MedGen C1853578, MONDO:0011638, OMIM 606159.

gnomAD v4.1: 4 of 1,190,725 alleles (0.00034%); highest among the groups gnomAD compares: Non-Finnish European, 0.00034%; no homozygotes.

Submission:

Centre for Genetics and Rare Diseases, Riga East Clinical University Hospital
Classification: Uncertain significance for Neuroferritinopathy. Last evaluated: 2025-02-25. Review status: no assertion criteria provided. Collection method: clinical testing. Allele origin: germline. Affected: yes.
Comment: NOX1 is the key NADPH oxidase for baseline ROS in human colonic crypt epithelium. Complete loss-of-function variants in NOX1 are rare and not associated with a distinct IBD sub-phenotype. Population statistics suggest that loss-of-function variants in NOX1 are rare but likely tolerated (PMID: 29091079). This variant is not observed at significant frequency in large population cohorts (gnomAD ExomesVersion: 4.1ƒ = 0.00000371); PVS1 - Null variant (intronic within ±2 of splice site) in gene NOX1. Loss-of-function is a known mechanism of disease; PM2. Conservation Scores: phyloP100: 6.971. Abnormal iron depositions have been associated with the production of ROS. Alterations in iron deposition and serum biomarkers of iron metabolism have been consistently reported in patients with MS. However, uncertainty still exists about the relationship between iron metabolism and oxidative stress in MS (PMID: 31345363). Multiple pathophysiological changes are associated with PD, such as mitochondrial dysfunction, oxidative stress, glutamate depletion, and the abnormal aggregation of iron. Besides, overexpression of NOX1 promotes autophagy, a key factor in ferritinophagy (PMID: 38876456 (NOX1 triggers ferroptosis and ferritinophagy, contributes to Parkinson's disease)). Currently, the available evidence is not sufficient to establish the role of this variant in disease. As a result, it has been classified as a Variant of Uncertain Significance.

Literature cited by the submitters: PubMed 29091079; PubMed 31345363; PubMed 38876456.